The following is an entry in ClinVar:

ClinVar aggregate classification (germline): Uncertain significance (1 of 4 stars; one submission).

Conditions:
Tuberous sclerosis 1 (TSC1). Identifiers: Orphanet 805, MedGen C1854465, MONDO:0008612, OMIM 191100.

Submission:

Labcorp Genetics (formerly Invitae), Labcorp
Classification: Uncertain significance for Tuberous sclerosis 1. Last evaluated: 2022-08-22. Review status: criteria provided, single submitter. Criteria: Invitae Variant Classification Sherloc (09022015). Collection method: clinical testing. Allele origin: germline.
Comment: In summary, the available evidence is currently insufficient to determine the role of this variant in disease. Therefore, it has been classified as a Variant of Uncertain Significance. Algorithms developed to predict the effect of missense changes on protein structure and function (SIFT, PolyPhen-2, Align-GVGD) all suggest that this variant is likely to be tolerated. ClinVar contains an entry for this variant (Variation ID: 1016356). This variant has not been reported in the literature in individuals affected with TSC1-related conditions. This variant is not present in population databases (gnomAD no frequency). This sequence change replaces valine, which is neutral and non-polar, with leucine, which is neutral and non-polar, at codon 531 of the TSC1 protein (p.Val531Leu).

NM_000368.5(TSC1):c.1591G>T (p.Val531Leu)

Gene: TSC1 (TSC complex subunit 1; minus strand). Cytogenetic location: 9q34.13.
Variant type: single nucleotide variant.
Coding change: c.1591G>T on transcript NM_000368.5 (MANE Select); coding-DNA position 1591, G replaced by T.
Protein change: p.Val531Leu; replaces valine 531 with leucine.
Molecular consequence: missense variant.
Genome position (GRCh38, 1-based): chr9:132,905,987, C>A on the plus strand (G>T on the coding strand, the complement: TSC1 is on the minus strand). VCF-style: chr9-132905987-C-A. GRCh37 (hg19) VCF-style: chr9-135781374-C-A.
Other names: c.1588G>T, p.Val530Leu (NM_001162426.2); c.1438G>T, p.Val480Leu (NM_001162427.2); c.1228G>T, p.Val410Leu (NM_001362177.2); short protein forms V410L, V480L, V530L, V531L.
Identifiers: ClinVar variation 1016356 (VCV001016356.8), dbSNP rs377279170, ClinGen allele CA375364886.
Genomic context (GRCh38, chr9:132,905,987, plus strand): 5'-CTTGCTTTGGTGTGTCAGGCCCAAGCTTGTCCAGGGAGGAGTGTAAAGGCTCAGGGTTCA[C>A]GCTGGCGCCCTGAGAACTGGAGGCTGCCGAGTGGGTCTTCCGCTGAGAACCTGGGAGACT-3'
Protein context (NP_000359.1, residues 521-541): SAASSSQGAS[Val531Leu]NPEPLHSSLD